The following is an entry in ClinVar:

ClinVar aggregate classification (germline): Likely benign. Review status: criteria provided, multiple submitters, no conflicts (2 of 4 stars). 2 submissions from 2 submitters: Likely benign (2). Last evaluated 2025-10-19.

gnomAD v4.1: 38 of 1,613,684 alleles (0.0024%); highest among the groups gnomAD compares: Admixed American, 0.043%; no homozygotes.

Submissions (2):

Mayo Clinic Laboratories, Mayo Clinic
Classification: Likely benign. Last evaluated: 2025-10-19. Review status: criteria provided, single submitter. Criteria: ACMG Guidelines, 2015. Collection method: clinical testing. Allele origin: germline. Observed: 1 variant allele.
Comment: BP4, BP7

Women's Health and Genetics/Laboratory Corporation of America, LabCorp
Classification: Likely benign. Last evaluated: 2025-06-10. Review status: criteria provided, single submitter. Criteria: LabCorp Variant Classification Summary - May 2015. Collection method: clinical testing. Allele origin: germline.

NM_000447.3(PSEN2):c.771C>T (p.Gly257=)

Gene: PSEN2 (presenilin 2; plus strand). Cytogenetic location: 1q42.13.
Variant type: single nucleotide variant.
Coding change: c.771C>T on transcript NM_000447.3 (MANE Select); coding-DNA position 771, C replaced by T.
Protein change: p.Gly257=; no amino-acid change (glycine 257 retained).
Molecular consequence: synonymous variant.
Genome position (GRCh38, 1-based): chr1:226,889,033, C>T. VCF-style: chr1-226889033-C-T. GRCh37 (hg19) VCF-style: chr1-227076734-C-T.
Other names: p.Gly257=; c.771C>T, p.Gly257= (NM_012486.3).
Identifiers: ClinVar variation 3907256 (VCV003907256.2).
Genomic context (GRCh38, chr1:226,889,033, plus strand): 5'-GCTCATGGCCCTAGTGTTCATCAAGTACCTCCCAGAGTGGTCCGCGTGGGTCATCCTGGG[C>T]GCCATCTCTGTGTATGGTAGGTGGGCAGCAAGGCTGGTGGGGGCAGTGGGGGCGATGTCC-3'
Protein context (NP_000438.2, residues 247-267): LPEWSAWVIL[Gly257=]AISVYDLVAV